The following is an entry in ClinVar:

ClinVar aggregate classification (germline): Benign (1 of 4 stars; one submission).

Conditions:
Lethal polymalformative syndrome, Boissel type. Also called: GROWTH RETARDATION, DEVELOPMENTAL DELAY, AND FACIAL DYSMORPHISM. Identifiers: Orphanet 210144, MedGen C2752001, MONDO:0013050, OMIM 612938.

Allele frequency attached by ClinVar (database versions not stated): gnomAD 0.00777 and 0.00824; TOPMed 0.00879; 1000 Genomes Project 0.00978; 1000 Genomes Project 30x 0.01015.

Submission:

Illumina Laboratory Services, Illumina
Classification: Benign for Lethal polymalformative syndrome, Boissel type. Last evaluated: 2018-01-13. Review status: criteria provided, single submitter. Criteria: ICSL Variant Classification Criteria 13 December 2019. Collection method: clinical testing. Allele origin: germline.
Comment: This variant was observed in the ICSL laboratory as part of a predisposition screen in an ostensibly healthy population. It had not been previously curated by ICSL or reported in the Human Gene Mutation Database (HGMD: prior to June 1st, 2018), and was therefore a candidate for classification through an automated scoring system. Utilizing variant allele frequency, disease prevalence and penetrance estimates, and inheritance mode, an automated score was calculated to assess if this variant is too frequent to cause the disease. Based on the score and internal cut-off values, a variant classified as benign is not then subjected to further curation. The score for this variant resulted in a classification of benign for this disease.

NM_001080432.3(FTO):c.*1071G>C

Gene: FTO (FTO alpha-ketoglutarate dependent dioxygenase; plus strand). Cytogenetic location: 16q12.2.
Variant type: single nucleotide variant.
Coding change: c.*1071G>C on transcript NM_001080432.3 (MANE Select); 1071 bases downstream of the stop codon, G replaced by C.
Molecular consequence: 3 prime UTR variant.
Genome position (GRCh38, 1-based): chr16:54,112,986, G>C. VCF-style: chr16-54112986-G-C. GRCh37 (hg19) VCF-style: chr16-54146898-G-C.
Other names: c.*1071G>C (NM_001363891.2, NM_001363894.2, NM_001363896.2 and 6 more transcripts); c.*1189G>C (NM_001363903.2); c.*1247G>C (NM_001363988.2).
Identifiers: ClinVar variation 319705 (VCV000319705.5), dbSNP rs114521424, ClinGen allele CA10637986.